The following is an entry in ClinVar:

ClinVar aggregate classification (germline): Likely pathogenic. Review status: criteria provided, single submitter (1 of 4 stars). 2 submissions from 2 submitters: Likely pathogenic (1). 1 of the submissions does not count toward it. Last evaluated 2023-10-03.

Conditions:
Subcortical band heterotopia (SBH). Also called: DC syndrome; SUBCORTICAL LAMINAR HETEROTOPIA; DOUBLE CORTEX SYNDROME. Identifiers: Orphanet 99796, MedGen C1848201, MONDO:0020491, HP:0032409.

Submissions (2):

Labcorp Genetics (formerly Invitae), Labcorp
Classification: Likely pathogenic. Last evaluated: 2023-10-03. Review status: criteria provided, single submitter. Criteria: Invitae Variant Classification Sherloc (09022015). Collection method: clinical testing. Allele origin: germline.
Comment: This sequence change replaces arginine, which is basic and polar, with proline, which is neutral and non-polar, at codon 241 of the PAFAH1B1 protein (p.Arg241Pro). This variant is not present in population databases (gnomAD no frequency). This missense change has been observed in individual(s) with clinical features of PAFAH1B1-related conditions (PMID: 14581661; Invitae). In at least one individual the variant was observed to be de novo. ClinVar contains an entry for this variant (Variation ID: 8080). An algorithm developed to predict the effect of missense changes on protein structure and function (PolyPhen-2) suggests that this variant is likely to be disruptive. In summary, the currently available evidence indicates that the variant is pathogenic, but additional data are needed to prove that conclusively. Therefore, this variant has been classified as Likely Pathogenic.

OMIM
Classification: Pathogenic for SUBCORTICAL LAMINAR HETEROTOPIA. Last evaluated: 2003-10-28. Review status: no assertion criteria provided. Collection method: literature only. Allele origin: unknown. Not counted in ClinVar's aggregate classification.

Literature cited by the submitters: PubMed 14581661 (cited by Labcorp Genetics (formerly Invitae), Labcorp and OMIM).

NM_000430.4(PAFAH1B1):c.722G>C (p.Arg241Pro)

Gene: PAFAH1B1 (platelet activating factor acetylhydrolase 1b regulatory subunit 1; plus strand). Cytogenetic location: 17p13.3.
Variant type: single nucleotide variant.
Coding change: c.722G>C on transcript NM_000430.4 (MANE Select); coding-DNA position 722, G replaced by C.
Protein change: p.Arg241Pro; replaces arginine 241 with proline.
Molecular consequence: missense variant.
Genome position (GRCh38, 1-based): chr17:2,674,110, G>C. VCF-style: chr17-2674110-G-C. GRCh37 (hg19) VCF-style: chr17-2577404-G-C.
Other names: short protein forms R241P.
Identifiers: ClinVar variation 8080 (VCV000008080.8), dbSNP rs121434488, ClinGen allele CA119278.